The following is an entry in ClinVar:

NM_001003800.2(BICD2):c.289G>A (p.Glu97Lys)

Gene: BICD2 (BICD cargo adaptor 2; minus strand). Cytogenetic location: 9q22.31.
Variant type: single nucleotide variant.
Coding change: c.289G>A on transcript NM_001003800.2 (MANE Select); coding-DNA position 289, G replaced by A.
Protein change: p.Glu97Lys; replaces glutamic acid 97 with lysine.
Molecular consequence: missense variant.
Genome position (GRCh38, 1-based): chr9:92,729,188, C>T on the plus strand (G>A on the coding strand, the complement: BICD2 is on the minus strand). VCF-style: chr9-92729188-C-T. GRCh37 (hg19) VCF-style: chr9-95491470-C-T.
Other names: c.289G>A, p.Glu97Lys (NM_015250.4); short protein forms E97K.
Identifiers: ClinVar variation 4688875 (VCV004688875.1).

ClinVar aggregate classification (germline): Uncertain significance (1 of 4 stars; one submission).

Submission:

Women's Health and Genetics/Laboratory Corporation of America, LabCorp
Classification: Uncertain significance. Last evaluated: 2025-12-23. Review status: criteria provided, single submitter. Criteria: LabCorp Variant Classification Summary - May 2015. Collection method: clinical testing. Allele origin: germline.
Comment: Variant summary: BICD2 c.289G>A (p.Glu97Lys) results in a conservative amino acid change in the encoded protein sequence. Algorithms developed to predict the effect of missense changes on protein structure and function are either unavailable or do not agree on the potential impact of this missense change. The variant was absent in 251356 control chromosomes. The available data on variant occurrences in the general population are insufficient to allow any conclusion about variant significance. To our knowledge, no occurrence of c.289G>A in individuals affected with BICD2-related conditions and no experimental evidence demonstrating its impact on protein function have been reported. No submitters have cited clinical-significance assessments for this variant to ClinVar. Based on the evidence outlined above, the variant was classified as uncertain significance.